The following is an entry in ClinVar:

NM_201384.3(PLEC):c.10307A>G (p.Tyr3436Cys)

Gene: PLEC (plectin; minus strand). Cytogenetic location: 8q24.3.
Variant type: single nucleotide variant.
Coding change: c.10307A>G on transcript NM_201384.3 (MANE Select); coding-DNA position 10307, A replaced by G.
Protein change: p.Tyr3436Cys; replaces tyrosine 3436 with cysteine.
Molecular consequence: missense variant.
Genome position (GRCh38, 1-based): chr8:143,919,514, T>C on the plus strand (A>G on the coding strand, the complement: PLEC is on the minus strand). VCF-style: chr8-143919514-T-C. GRCh37 (hg19) VCF-style: chr8-144993682-T-C.
Other names: c.10388A>G, p.Tyr3463Cys (NM_000445.5); c.7007A>G, p.Tyr2336Cys (NM_001410941.1); c.10265A>G, p.Tyr3422Cys (NM_201378.4); c.10241A>G, p.Tyr3414Cys (NM_201379.3); c.10718A>G, p.Tyr3573Cys (NM_201380.4); c.10211A>G, p.Tyr3404Cys (NM_201381.3); c.10307A>G, p.Tyr3436Cys (NM_201382.4); c.10319A>G, p.Tyr3440Cys (NM_201383.3); short protein forms Y2336C, Y3404C, Y3414C, Y3422C, Y3436C, Y3440C, Y3463C, Y3573C.
Identifiers: ClinVar variation 2664928 (VCV002664928.1), dbSNP rs1554678528, ClinGen allele CA372500387.
Genomic context (GRCh38, chr8:143,919,514, plus strand): 5'-ACCAGGCCCTTCTGCATGGCCTGGAAGAGGGAGATGGTGCTGCCCGAGTAGGGGTCTCTG[T>C]AGCCGGTGACGGCCTTCTCGGCAGACAGCAGCTGCTCGTGAAGCTCGGGGCCCACCACGC-3'
Protein context (NP_958786.1, residues 3426-3446): LLSAEKAVTG[Tyr3436Cys]RDPYSGSTIS

ClinVar aggregate classification (germline): Uncertain significance (1 of 4 stars; one submission).

Conditions:
Autosomal recessive limb-girdle muscular dystrophy type 2Q (LGMDR17). Also called: MUSCULAR DYSTROPHY, LIMB-GIRDLE, AUTOSOMAL RECESSIVE 17. Identifiers: Orphanet 254361, MedGen C3150989, MONDO:0013390, OMIM 613723.

gnomAD v4.1: 1 of 1,612,470 alleles (0.000062%); highest among the groups gnomAD compares: South Asian, 0.0011%; no homozygotes.

Submission:

Neuberg Centre For Genomic Medicine, NCGM
Classification: Uncertain significance for Autosomal recessive limb-girdle muscular dystrophy type 2Q. Last evaluated: 2023-03-01. Review status: criteria provided, single submitter. Criteria: ACMG Guidelines, 2015. Collection method: clinical testing. Allele origin: germline. Inheritance: Autosomal recessive inheritance. Affected: yes.
Comment: The missense variant c.10307A>G (p.Tyr3436Cys) in the PLEC gene has not been reported previously as a pathogenic variant nor as a benign variant, to our knowledge. This variant is reported with the allele frequency (0.00004%) in the gnomAD Exomes and novel in 1000 Genomes. The amino acid Tyrosine at position 3436 is changed to a Cysteine changing protein sequence and it might alter its composition and physico-chemical properties. The variant is predicted as damaging by SIFT. The amino acid change p.Tyr3436Cys in PLEC is predicted as conserved by GERP++ and PhyloP across 100 vertebrates. For these reasons, this variant has been classified as Uncertain Significance.